The following is an entry in ClinVar:

NM_001723.7(DST):c.5432G>A (p.Arg1811His)

Gene: DST (dystonin; minus strand). Cytogenetic location: 6p12.1.
Variant type: single nucleotide variant.
Coding change: c.5432G>A on transcript NM_001723.7 (MANE Plus Clinical); coding-DNA position 5432, G replaced by A.
Protein change: p.Arg1811His; replaces arginine 1811 with histidine.
Molecular consequence: missense variant. On other transcripts: intron variant (10).
Genome position (GRCh38, 1-based): chr6:56,618,602, C>T on the plus strand (G>A on the coding strand, the complement: DST is on the minus strand). VCF-style: chr6-56618602-C-T. GRCh37 (hg19) VCF-style: chr6-56483400-C-T.
Other names: c.4831-4118G>A (NM_001144769.5); c.4930-4118G>A (NM_001374722.1, NM_001374736.1); c.4957-4118G>A (NM_001374734.1); c.4417-4118G>A (NM_001144770.2); c.4297-4118G>A (NM_001374730.1, NM_001386100.1, NM_183380.4 and 1 more transcripts); c.3319-4118G>A (NM_015548.5); short protein forms R1811H.
Identifiers: ClinVar variation 1346795 (VCV001346795.5), dbSNP rs753630209, ClinGen allele CA3870362.

ClinVar aggregate classification (germline): Uncertain significance (1 of 4 stars; one submission).

Conditions:
Hereditary sensory and autonomic neuropathy type 6. Also called: HSAN VI; Neuropathy, hereditary sensory and autonomic, type VI. Identifiers: Orphanet 314381, MedGen C3539003, MONDO:0013839, OMIM 614653.
Epidermolysis bullosa simplex 3, localized or generalized intermediate, with BP230 deficiency (EBS3). Also called: Epidermolysis bullosa simplex, autosomal recessive 2; Epidermolysis bullosa simplex due to BP230 deficiency. Identifiers: Orphanet 412181, MedGen C3809470, MONDO:0014180, OMIM 615425.

Allele frequency attached by ClinVar (database versions not stated): ExAC 0.00001; gnomAD 0.00001 and 0.00002; gnomAD exomes 0.00001 and 0.00002; TOPMed 0.00002.
gnomAD v4.1: 11 of 1,613,956 alleles (0.00068%); highest among the groups gnomAD compares: South Asian, 0.0033%; no homozygotes.

Submission:

Labcorp Genetics (formerly Invitae), Labcorp
Classification: Uncertain significance for Epidermolysis bullosa simplex 3, localized or generalized intermediate, with BP230 deficiency; Hereditary sensory and autonomic neuropathy type 6. Last evaluated: 2021-09-01. Review status: criteria provided, single submitter. Criteria: Invitae Variant Classification Sherloc (09022015). Collection method: clinical testing. Allele origin: germline.
Comment: This sequence change replaces arginine with histidine at codon 1811 of the DST protein (p.Arg1811His). The arginine residue is weakly conserved and there is a small physicochemical difference between arginine and histidine. This variant is present in population databases (rs753630209, ExAC 0.006%). This variant has not been reported in the literature in individuals affected with DST-related conditions. Algorithms developed to predict the effect of missense changes on protein structure and function (SIFT, PolyPhen-2, Align-GVGD) all suggest that this variant is likely to be tolerated. In summary, the available evidence is currently insufficient to determine the role of this variant in disease. Therefore, it has been classified as a Variant of Uncertain Significance.